The following is an entry in ClinVar:

NM_012470.4(TNPO3):c.2274-10del

Gene: TNPO3 (transportin 3; minus strand). Cytogenetic location: 7q32.1.
Variant type: Deletion.
Coding change: c.2274-10del on transcript NM_012470.4 (MANE Select); 10 bases into the intron before coding-DNA position 2274, one base deleted (T; older notation c.2274-10delT).
Molecular consequence: intron variant.
Genome position (GRCh38, 1-based): chr7:128,972,592, A deleted on the plus strand (T on the coding strand, the reverse complement: TNPO3 is on the minus strand); the first of 3 consecutive A bases (chr7:128,972,592-128,972,594); deleting any one gives the same sequence. VCF-style (leftmost placement, unchanged base first): chr7-128972591-GA-G. GRCh37 (hg19) VCF-style: chr7-128612645-GA-G.
Other names: p.?; c.2130-10del (NM_001382221.1); c.2127-10del (NM_001382222.1); c.2166-10del (NM_001382219.1); c.2082-10del (NM_001382223.1, NM_001191028.3); c.2133-10del (NM_001382220.1); c.2274-10del (NM_001382218.1); c.2376-10del (NM_001382216.1); and 2 more.
Identifiers: ClinVar variation 284887 (VCV000284887.17), dbSNP rs539653012, ClinGen allele CA4477902.
Genomic context (GRCh38, chr7:128,972,591, plus strand): 5'-AGGGATGACCACTTGGCTCCGCAGCAAGGTGACAGGGCTACGCTGAATAAACCTGGTGTG[GA>G]AAGTGAGACTAGGTATAAATGACAAGATTAGGCTATAAAAGCAGCCAGGGTAAAAGGGCA-3'

ClinVar aggregate classification (germline): Benign. Review status: criteria provided, multiple submitters, no conflicts (2 of 4 stars). 4 submissions from 4 submitters: Benign (4). Last evaluated 2026-01-21.

Conditions:
Autosomal dominant limb-girdle muscular dystrophy type 1F (LGMDD2). Also called: Limb-girdle muscular dystrophy, type 1F; MUSCULAR DYSTROPHY, LIMB-GIRDLE, AUTOSOMAL DOMINANT 2. Identifiers: Orphanet 55595, MedGen C1842062, MONDO:0012034, OMIM 608423.

Submissions (4):

Labcorp Genetics (formerly Invitae), Labcorp
Classification: Benign for Autosomal dominant limb-girdle muscular dystrophy type 1F. Last evaluated: 2026-01-21. Review status: criteria provided, single submitter. Criteria: Invitae Variant Classification Sherloc (09022015). Collection method: clinical testing. Allele origin: germline.

Mayo Clinic Laboratories, Mayo Clinic
Classification: Benign. Last evaluated: 2024-03-05. Review status: criteria provided, single submitter. Criteria: ACMG Guidelines, 2015. Collection method: clinical testing. Allele origin: germline. Observed: 2 variant alleles.
Comment: BS1, BS2

GeneDx
Classification: Benign. Last evaluated: 2019-10-16. Review status: criteria provided, single submitter. Criteria: GeneDx Variant Classification Process June 2021. Collection method: clinical testing. Allele origin: germline. Affected: yes.

Eurofins Ntd Llc (ga)
Classification: Benign. Last evaluated: 2015-12-08. Review status: criteria provided, single submitter. Criteria: EGL Classification Definitions 2015. Collection method: clinical testing. Allele origin: germline. Observed: 2 variant alleles, 1 heterozygote.